The following is an entry in ClinVar:

ClinVar aggregate classification (germline): Pathogenic (1 of 4 stars; one submission).

Conditions:
Chuvash polycythemia. Also called: POLYCYTHEMIA, VHL-DEPENDENT. Identifiers: Orphanet 238557, MedGen C1837915, MONDO:0009892, OMIM 263400.
Von Hippel-Lindau syndrome (VHLS). Also called: Von Hippel-Lindau; VHL syndrome; von Hippel–Lindau syndrome. Identifiers: Orphanet 892, MedGen C0019562, MONDO:0008667, OMIM 193300. Disease mechanism: loss of function.

Submission:

Labcorp Genetics (formerly Invitae), Labcorp
Classification: Pathogenic for Von Hippel-Lindau syndrome; Chuvash polycythemia. Last evaluated: 2022-10-18. Review status: criteria provided, single submitter. Criteria: Invitae Variant Classification Sherloc (09022015). Collection method: clinical testing. Allele origin: germline.
Comment: This variant is a gross deletion of the genomic region encompassing exon(s) 3 of the VHL gene, which includes the termination codon. This deletion extends beyond the assayed region for this gene and therefore may encompass additional genes. While this deletion is not anticipated to lead to nonsense mediated decay, it is expected to alter mRNA translation or result in a truncated protein product. A similar copy number variant has been observed in individual(s) with von Hippel-Lindau (VHL) syndrome (PMID: 8069305, 8707293, 19280651). It has also been observed to segregate with disease in related individuals. This variant disrupts the p.Leu188 amino acid residue in VHL. Other variant(s) that disrupt this residue have been determined to be pathogenic (PMID: 7563486, 7987306, 8772572, 11331612, 16452184, 18567581, 23772956). This suggests that this residue is clinically significant, and that variants that disrupt this residue are likely to be disease-causing. For these reasons, this variant has been classified as Pathogenic.

Literature cited by the submitters: PubMed 8069305; PubMed 8707293; PubMed 19280651; PubMed 7563486; PubMed 7987306; PubMed 8772572; PubMed 11331612; PubMed 16452184; PubMed 18567581; PubMed 23772956.

NC_000003.12:g.(?_10149777)_(10150035_?)del

Gene: VHL (von Hippel-Lindau tumor suppressor; plus strand). Cytogenetic location: 3p25.3.
Variant type: Deletion.
Identifiers: ClinVar variation 833062 (VCV000833062.7).